The following is an entry in ClinVar:

NC_000001.10:g.(?_38003349)_(38003633_?)dup

Gene: SNIP1 (Smad nuclear interacting protein 1; minus strand). Cytogenetic location: 1p34.3.
Variant type: Duplication.
Identifiers: ClinVar variation 2426872 (VCV002426872.3).

ClinVar aggregate classification (germline): Uncertain significance (1 of 4 stars; one submission).

Submission:

Labcorp Genetics (formerly Invitae), Labcorp
Classification: Uncertain significance. Last evaluated: 2022-04-18. Review status: criteria provided, single submitter. Criteria: Invitae Variant Classification Sherloc (09022015). Collection method: clinical testing. Allele origin: germline.
Comment: This variant results in a copy number gain of the genomic region encompassing exon(s) 4 of the SNIP1 gene. This region includes the termination codon of the gene. This copy number gain extends beyond the assayed region for this gene and therefore may encompass additional genes. As the precise location of this event is unknown, it may be in tandem or it may be located elsewhere in the genome. This variant has not been reported in the literature in individuals affected with SNIP1-related conditions. Experimental studies and prediction algorithms are not available or were not evaluated, and the functional significance of this variant is currently unknown. In summary, the available evidence is currently insufficient to determine the role of this variant in disease. Therefore, it has been classified as a Variant of Uncertain Significance.